The following is an entry in ClinVar:

ClinVar aggregate classification (germline): Uncertain significance (1 of 4 stars; one submission).

Conditions:
Long QT syndrome (LQTS). Identifiers: MedGen C0023976, MeSH D008133, MONDO:0002442. Disease mechanism: loss of function. Inheritance: Various modes of inheritance.

Allele frequency attached by ClinVar (database versions not stated): gnomAD exomes below 0.00001.
gnomAD v4.1: 1 of 1,482,466 alleles (0.000067%); highest among the groups gnomAD compares: Non-Finnish European, 0.000089%; no homozygotes.

Submission:

Labcorp Genetics (formerly Invitae), Labcorp
Classification: Uncertain significance for Long QT syndrome. Last evaluated: 2024-05-05. Review status: criteria provided, single submitter. Criteria: Invitae Variant Classification Sherloc (09022015). Collection method: clinical testing. Allele origin: germline.
Comment: This sequence change replaces valine, which is neutral and non-polar, with alanine, which is neutral and non-polar, at codon 222 of the KCNH2 protein (p.Val222Ala). This variant is not present in population databases (gnomAD no frequency). This variant has not been reported in the literature in individuals affected with KCNH2-related conditions. ClinVar contains an entry for this variant (Variation ID: 1416946). An algorithm developed to predict the effect of missense changes on protein structure and function (PolyPhen-2) suggests that this variant is likely to be tolerated. In summary, the available evidence is currently insufficient to determine the role of this variant in disease. Therefore, it has been classified as a Variant of Uncertain Significance.

NM_000238.4(KCNH2):c.665T>C (p.Val222Ala)

Gene: KCNH2 (potassium voltage-gated channel subfamily H member 2; minus strand). Cytogenetic location: 7q36.1.
Variant type: single nucleotide variant.
Coding change: c.665T>C on transcript NM_000238.4 (MANE Select); coding-DNA position 665, T replaced by C.
Protein change: p.Val222Ala; replaces valine 222 with alanine.
Molecular consequence: missense variant.
Genome position (GRCh38, 1-based): chr7:150,958,310, A>G on the plus strand (T>C on the coding strand, the complement: KCNH2 is on the minus strand). VCF-style: chr7-150958310-A-G. GRCh37 (hg19) VCF-style: chr7-150655398-A-G.
Other names: c.377T>C, p.Val126Ala (NM_001406753.1, NM_001406756.1); c.488T>C, p.Val163Ala (NM_001406755.1); c.365T>C, p.Val122Ala (NM_001406757.1); c.665T>C, p.Val222Ala (NM_172056.3); short protein forms V222A, V122A, V126A, V163A.
Identifiers: ClinVar variation 1416946 (VCV001416946.9), dbSNP rs2117005357, ClinGen allele CA369862906.